The following is an entry in ClinVar:

ClinVar aggregate classification (germline): Uncertain significance (1 of 4 stars; one submission).

Submission:

GeneDx
Classification: Uncertain significance. Last evaluated: 2024-05-01. Review status: criteria provided, single submitter. Criteria: GeneDx Variant Classification Process June 2021. Collection method: clinical testing. Allele origin: germline. Affected: yes.
Comment: Not observed at significant frequency in large population cohorts (gnomAD); In silico analysis indicates that this missense variant does not alter protein structure/function; Has not been previously published as pathogenic or benign to our knowledge

NM_004100.5(EYA4):c.106G>A (p.Ala36Thr)

Gene: EYA4 (EYA transcriptional coactivator and phosphatase 4; plus strand). Cytogenetic location: 6q23.2.
Variant type: single nucleotide variant.
Coding change: c.106G>A on transcript NM_004100.5 (MANE Select); coding-DNA position 106, G replaced by A.
Protein change: p.Ala36Thr; replaces alanine 36 with threonine.
Molecular consequence: missense variant.
Genome position (GRCh38, 1-based): chr6:133,446,652, G>A. VCF-style: chr6-133446652-G-A. GRCh37 (hg19) VCF-style: chr6-133767790-G-A.
Other names: c.106G>A, p.Ala36Thr (NM_001301012.2, NM_001301013.2, NM_001370458.1 and 3 more transcripts); short protein forms A36T.
Identifiers: ClinVar variation 3373250 (VCV003373250.1).
Genomic context (GRCh38, chr6:133,446,652, plus strand): 5'-CAATTTCAACTTTTCTCTGCTGCTTACTGCTCTACCAGGTCTATGGAAATGCAGGACCTA[G>A]CAAGTCCTCATACTCTTGTTGGAGGTGGTGATACTCCAGGTAGCTCCAAACTGGAAAAAT-3'
Protein context (NP_004091.3, residues 26-46): NSRSMEMQDL[Ala36Thr]SPHTLVGGGD